The following is an entry in ClinVar:

ClinVar aggregate classification (germline): Pathogenic (1 of 4 stars; one submission).

Conditions:
Hereditary cancer-predisposing syndrome. Also called: Hereditary Cancer Syndrome; Neoplastic Syndromes, Hereditary; Hereditary neoplastic syndrome; Tumor predisposition. Identifiers: Orphanet 140162, MedGen C0027672, MeSH D009386, MONDO:0015356.

Submission:

Ambry Genetics
Classification: Pathogenic for Hereditary cancer-predisposing syndrome. Last evaluated: 2016-02-01. Review status: criteria provided, single submitter. Criteria: Ambry Variant Classification Scheme 2023. Collection method: clinical testing. Allele origin: germline.
Comment: The p.E672* pathogenic mutation (also known as c.2014G>T), located in coding exon 20 of the RB1 gene, results from a G to T substitution at nucleotide position 2014. This changes the amino acid from a glutamic acid to a stop codon within coding exon 20. Since premature stop codons are typically deleterious in nature, this alteration is interpreted as a disease-causing mutation (ACMG Recommendations for Standards for Interpretation and Reporting of Sequence Variations. Revision 2007. Genet Med. 2008;10:294).

NM_000321.3(RB1):c.2014G>T (p.Glu672Ter)

Gene: RB1 (RB transcriptional corepressor 1; plus strand). Cytogenetic location: 13q14.2.
Variant type: single nucleotide variant.
Coding change: c.2014G>T on transcript NM_000321.3 (MANE Select); coding-DNA position 2014, G replaced by T.
Protein change: p.Glu672Ter; replaces glutamic acid 672 with a stop codon.
Molecular consequence: nonsense.
Genome position (GRCh38, 1-based): chr13:48,459,741, G>T. VCF-style: chr13-48459741-G-T. GRCh37 (hg19) VCF-style: chr13-49033877-G-T.
Other names: short protein forms E672*.
Identifiers: ClinVar variation 428728 (VCV000428728.5), dbSNP rs1131690903, ClinGen allele CA388166764.